The following is an entry in ClinVar:

ClinVar aggregate classification (germline): Uncertain significance (1 of 4 stars; one submission).

Conditions:
Alpha thalassemia-X-linked intellectual disability syndrome (ATRX). Also called: ALPHA-THALASSEMIA/MENTAL RETARDATION SYNDROME, X-LINKED; ATR, NONDELETION TYPE; ATR-X syndrome; Alpha thalassemia mental retardation syndrome, nondeletion type, X-linked; XLMR hypotonic face syndrome; X-linked alpha-thalassemia-mental retardation syndrome. Identifiers: Orphanet 847, MedGen C1845055, MONDO:0010519, OMIM 301040.

Submission:

Labcorp Genetics (formerly Invitae), Labcorp
Classification: Uncertain significance for Alpha thalassemia-X-linked intellectual disability syndrome. Last evaluated: 2023-06-13. Review status: criteria provided, single submitter. Criteria: Invitae Variant Classification Sherloc (09022015). Collection method: clinical testing. Allele origin: germline.
Comment: This sequence change replaces glutamic acid, which is acidic and polar, with glycine, which is neutral and non-polar, at codon 472 of the ATRX protein (p.Glu472Gly). This variant is not present in population databases (gnomAD no frequency). This variant has not been reported in the literature in individuals affected with ATRX-related conditions. Advanced modeling of protein sequence and biophysical properties (such as structural, functional, and spatial information, amino acid conservation, physicochemical variation, residue mobility, and thermodynamic stability) performed at Invitae indicates that this missense variant is not expected to disrupt ATRX protein function. In summary, the available evidence is currently insufficient to determine the role of this variant in disease. Therefore, it has been classified as a Variant of Uncertain Significance.

NM_000489.6(ATRX):c.1415A>G (p.Glu472Gly)

Gene: ATRX (ATRX chromatin remodeler; minus strand). Cytogenetic location: Xq21.1.
Variant type: single nucleotide variant.
Coding change: c.1415A>G on transcript NM_000489.6 (MANE Select); coding-DNA position 1415, A replaced by G.
Protein change: p.Glu472Gly; replaces glutamic acid 472 with glycine.
Molecular consequence: missense variant.
Genome position (GRCh38, 1-based): chrX:77,683,841, T>C on the plus strand (A>G on the coding strand, the complement: ATRX is on the minus strand). VCF-style: chrX-77683841-T-C. GRCh37 (hg19) VCF-style: chrX-76939333-T-C.
Other names: c.1301A>G, p.Glu434Gly (NM_138270.5); short protein forms E472G, E434G.
Identifiers: ClinVar variation 2843757 (VCV002843757.3), dbSNP rs2148623189, ClinGen allele CA413718168.